The following is an entry in ClinVar:

GRCh38/hg38 22q11.21(chr22:18907371-21108084)x1

Genes: AIFM3 (AIF family member 3; plus strand), ARVCF (ARVCF delta catenin family member; minus strand), C22orf39 (chromosome 22 open reading frame 39; minus strand), CCDC188 (coiled-coil domain containing 188; minus strand), CDC45 (cell division cycle 45; plus strand) and 173 more. Cytogenetic location: 22q11.21.
Variant type: copy number loss.
Change: copy number 1 (one copy instead of two) of chr22:18,907,371-21,108,084 (2.20 Mb, GRCh38 coordinates, 1-based), cytogenetic band 22q11.21.
Identifiers: ClinVar variation 4888394 (VCV004888394.1).

ClinVar aggregate classification (germline): Pathogenic (1 of 4 stars; one submission).

Conditions:
22q11.21 deletion syndrome.

Submission:

New York Genome Center
Classification: Pathogenic for 22q11.21 deletion syndrome. Last evaluated: 2024-12-12. Review status: criteria provided, single submitter. Criteria: NYGC Assertion Criteria 2020. Collection method: clinical testing. Allele origin: inherited. Affected: yes. Observed: 1 variant allele.
Comment: The inherited 22q11.21 deletion is an approximately ~2.2Mb deletion on the long arm of chromosome 22 (22q11.21). This deletion is a recurrent copy number loss, often referred to as 22q11.2 recurrent DiGeorge/Velocardiofacial (DGS/VCFS) region (proximal, A-D). It has been curated by ClinGen to have “sufficient evidence forhaploinsufficiency”. Based on available evidence the ~2.2 Mb 22q11.21 recurrent (DGS/VCFS) region (proximal, A-D) deletion is reported as Pathogenic.